The following is an entry in ClinVar:

ClinVar aggregate classification (germline): Uncertain significance (1 of 4 stars; one submission).

gnomAD v4.1: 80 of 1,614,236 alleles (0.005%); highest among the groups gnomAD compares: South Asian, 0.085%; 2 homozygotes.

Submission:

Women's Health and Genetics/Laboratory Corporation of America, LabCorp
Classification: Uncertain significance. Last evaluated: 2024-12-03. Review status: criteria provided, single submitter. Criteria: LabCorp Variant Classification Summary - May 2015. Collection method: clinical testing. Allele origin: germline.
Comment: Variant summary: ABCC8 c.3617C>T (p.Thr1206Ile) results in a non-conservative amino acid change located in the ABC transporter type 1, transmembrane domain (IPR036640) of the encoded protein sequence. Five of five in-silico tools predict a damaging effect of the variant on protein function. The variant allele was found at a frequency of 5e-05 in 1614236 control chromosomes in the gnomAD database, including 2 homozygotes. This frequency is not significantly higher than estimated for a pathogenic variant in ABCC8 causing Familial Hyperinsulinism (5e-05 vs 0.0034), allowing no conclusion about variant significance. To our knowledge, no occurrence of c.3617C>T in individuals affected with ABCC8-related conditions and no experimental evidence demonstrating its impact on protein function have been reported. No submitters have cited clinical-significance assessments for this variant to ClinVar. Based on the evidence outlined above, the variant was classified as VUS-possibly benign.

NM_000352.6(ABCC8):c.3617C>T (p.Thr1206Ile)

Gene: ABCC8 (ATP binding cassette subfamily C member 8; minus strand). Cytogenetic location: 11p15.1.
Variant type: single nucleotide variant.
Coding change: c.3617C>T on transcript NM_000352.6 (MANE Select); coding-DNA position 3617, C replaced by T.
Protein change: p.Thr1206Ile; replaces threonine 1206 with isoleucine.
Molecular consequence: missense variant. On other transcripts: non-coding transcript variant (1).
Genome position (GRCh38, 1-based): chr11:17,402,694, G>A on the plus strand (C>T on the coding strand, the complement: ABCC8 is on the minus strand). VCF-style: chr11-17402694-G-A. GRCh37 (hg19) VCF-style: chr11-17424241-G-A.
Other names: c.3620C>T, p.Thr1207Ile (NM_001287174.3); c.3683C>T, p.Thr1228Ile (NM_001351295.2); c.3617C>T, p.Thr1206Ile (NM_001351296.2); c.3614C>T, p.Thr1205Ile (NM_001351297.2); short protein forms T1205I, T1206I, T1207I, T1228I.
Identifiers: ClinVar variation 3768335 (VCV003768335.1).